The following is an entry in ClinVar:

NM_015629.4(PRPF31):c.1305T>G (p.Tyr435Ter)

Gene: PRPF31 (pre-mRNA processing factor 31; plus strand). Cytogenetic location: 19q13.42.
Variant type: single nucleotide variant.
Coding change: c.1305T>G on transcript NM_015629.4 (MANE Select); coding-DNA position 1305, T replaced by G.
Protein change: p.Tyr435Ter; replaces tyrosine 435 with a stop codon.
Molecular consequence: nonsense.
Genome position (GRCh38, 1-based): chr19:54,129,301, T>G. VCF-style: chr19-54129301-T-G. GRCh37 (hg19) VCF-style: chr19-54632676-T-G.
Other names: short protein forms Y435*.
Identifiers: ClinVar variation 3767344 (VCV003767344.1).

ClinVar aggregate classification (germline): Likely pathogenic (1 of 4 stars; one submission).

Conditions:
Retinitis pigmentosa 11 (RP11). Identifiers: Orphanet 791, MedGen C1838601, MONDO:0010828, OMIM 600138.

Submission:

SingHealth Duke-NUS Institute of Precision Medicine
Classification: Likely pathogenic for Retinitis pigmentosa 11. Last evaluated: 2025-02-05. Review status: criteria provided, single submitter. Criteria: PRISM ACMG Classification Criteria. Collection method: clinical testing. Allele origin: germline. Affected: yes.
Comment: Variant is predicted to cause nonsense-mediated decay in a gene where LOF is a known cause of pathogenicity (PVS1). Variant is not found in gnomAD genomes or exomes (PM2).